The following is an entry in ClinVar:

NM_001374385.1(ATP8B1):c.1638C>T (p.Leu546=)

Gene: ATP8B1 (ATPase phospholipid transporting 8B1; minus strand). Cytogenetic location: 18q21.31.
Variant type: single nucleotide variant.
Coding change: c.1638C>T on transcript NM_001374385.1 (MANE Select); coding-DNA position 1638, C replaced by T.
Protein change: p.Leu546=; no amino-acid change (leucine 546 retained).
Molecular consequence: synonymous variant.
Genome position (GRCh38, 1-based): chr18:57,675,015, G>A on the plus strand (C>T on the coding strand, the complement: ATP8B1 is on the minus strand). VCF-style: chr18-57675015-G-A. GRCh37 (hg19) VCF-style: chr18-55342247-G-A.
Other names: p.Leu546=; c.1488C>T, p.Leu496= (NM_001374386.1); c.1638C>T, p.Leu546= (NM_005603.6).
Identifiers: ClinVar variation 2975440 (VCV002975440.4), dbSNP rs1302777152, ClinGen allele CA504021382.

ClinVar aggregate classification (germline): Likely benign. Review status: criteria provided, multiple submitters, no conflicts (2 of 4 stars). 2 submissions from 2 submitters: Likely benign (2). Last evaluated 2026-01-25.

Allele frequency attached by ClinVar (database versions not stated): gnomAD exomes 0.00001.
gnomAD v4.1: 10 of 1,614,006 alleles (0.00062%); highest among the groups gnomAD compares: South Asian, 0.0099%; no homozygotes.

Submissions (2):

Labcorp Genetics (formerly Invitae), Labcorp
Classification: Likely benign. Last evaluated: 2026-01-25. Review status: criteria provided, single submitter. Criteria: Invitae Variant Classification Sherloc (09022015). Collection method: clinical testing. Allele origin: germline.

Mayo Clinic Laboratories, Mayo Clinic
Classification: Likely benign. Last evaluated: 2025-10-13. Review status: criteria provided, single submitter. Criteria: ACMG Guidelines, 2015. Collection method: clinical testing. Allele origin: germline. Observed: 1 variant allele.
Comment: BP4, BP7, PM2_supporting